The following is an entry in ClinVar:

ClinVar aggregate classification (germline): Uncertain significance (1 of 4 stars; one submission).

Conditions:
Developmental and epileptic encephalopathy, 17 (DEE17). Also called: Early infantile epileptic encephalopathy 17. Identifiers: Orphanet 1934, MedGen C3809606, MONDO:0014199, OMIM 615473.
Neurodevelopmental disorder with involuntary movements (NEDIM). Identifiers: Orphanet 592564, MedGen C4479569, MONDO:0060491, OMIM 617493.

Submission:

Juno Genomics, Hangzhou Juno Genomics, Inc
Classification: Uncertain significance for Developmental and epileptic encephalopathy, 17; Neurodevelopmental disorder with involuntary movements. Review status: criteria provided, single submitter. Criteria: ACMG Guidelines, 2015. Collection method: clinical testing. Allele origin: germline. Affected: yes.
Comment: Absent from controls (or at extremely low frequency if recessive) in Genome Aggregation Database.;Missense variant in a gene that has a low rate of benign missense variation.;Multiple lines of computational evidence support a deleterious effect on the gene or gene product.

NM_020988.3(GNAO1):c.724-1del

Gene: GNAO1 (G protein subunit alpha o1; plus strand). Cytogenetic location: 16q13.
Variant type: Deletion.
Coding change: c.724-1del on transcript NM_020988.3 (MANE Select); the canonical splice acceptor site of the intron before coding-DNA position 724, one base deleted (G; older notation c.724-1delG).
Molecular consequence: splice acceptor variant.
Genome position (GRCh38, 1-based): chr16:56,351,383, G deleted. VCF-style (leftmost placement, unchanged base first): chr16-56351382-AG-A. GRCh37 (hg19) VCF-style: chr16-56385294-AG-A.
Identifiers: ClinVar variation 5018544 (VCV005018544.1).